The following is an entry in ClinVar:

ClinVar aggregate classification (germline): Likely pathogenic (1 of 4 stars; one submission).

Submission:

CeGaT Center for Human Genetics Tuebingen
Classification: Likely pathogenic. Last evaluated: 2025-03-01. Review status: criteria provided, single submitter. Criteria: CeGaT Center For Human Genetics Tuebingen Variant Classification Criteria Version 2. Collection method: clinical testing. Allele origin: germline. Affected: yes. Observed: 1 variant allele.
Comment: NSD1: PVS1:Strong, PM2, PS2:Moderate

NM_022455.5(NSD1):c.5146+1G>C

Gene: NSD1 (nuclear receptor binding SET domain protein 1; plus strand). Cytogenetic location: 5q35.3.
Variant type: single nucleotide variant.
Coding change: c.5146+1G>C on transcript NM_022455.5 (MANE Select); the canonical splice donor site of the intron after coding-DNA position 5146, G replaced by C.
Molecular consequence: splice donor variant.
Genome position (GRCh38, 1-based): chr5:177,260,169, G>C. VCF-style: chr5-177260169-G-C. GRCh37 (hg19) VCF-style: chr5-176687170-G-C.
Other names: c.5146+1G>C (NM_001409301.1, NM_001409302.1, NM_001409303.1); c.4726+1G>C (NM_001409304.1); c.4393+1G>C (NM_001409305.1); c.4384+1G>C (NM_001409306.1, NM_001409307.1); c.4273+1G>C (NM_001409308.1, NM_172349.5, NM_001409309.1 and 1 more transcripts).
Identifiers: ClinVar variation 3778460 (VCV003778460.7).